The following is an entry in ClinVar:

ClinVar aggregate classification (germline): Conflicting classifications of pathogenicity. Review status: criteria provided, conflicting classifications (1 of 4 stars). 5 submissions from 5 submitters: Uncertain significance (4); Likely benign (1). Last evaluated 2026-05-29.

Conditions:
Meckel-Gruber syndrome. Also called: Dysencephalia splachnocystica; DYSENCEPHALIA SPLANCHNOCYSTICA; GRUBER SYNDROME. Identifiers: Orphanet 564, MedGen C0265215, MONDO:0018921.
Joubert syndrome. Also called: Familial aplasia of the vermis; JOUBERT-BOLTSHAUSER SYNDROME. Identifiers: Orphanet 475, MedGen C5979921, MONDO:0018772.
Inborn genetic diseases. Identifiers: MedGen C0950123, MeSH D030342.
CC2D2A-related disorder. Also called: CC2D2A-related disorders; CC2D2A-related condition. Identifiers: MedGen CN239313.

Allele frequency attached by ClinVar (database versions not stated): gnomAD 0.00003 and 0.00004; TOPMed 0.00008; gnomAD exomes 0.00013; ExAC 0.00017.
gnomAD v4.1: 43 of 1,601,724 alleles (0.0027%); highest among the groups gnomAD compares: Admixed American, 0.073%; no homozygotes.

Submissions (5):

PreventionGenetics, part of Exact Sciences
Classification: Uncertain significance for CC2D2A-related condition. Last evaluated: 2026-05-29. Review status: criteria provided, single submitter. Criteria: ACMG Guidelines, 2015. Collection method: clinical testing. Allele origin: germline.
Comment: The CC2D2A c.1546A>G variant is predicted to result in the amino acid substitution p.Met516Val. To our knowledge, this variant has not been reported in the literature. This variant is reported in 0.093% of alleles in individuals of Latino descent in gnomAD, which is likely too common to be an undocumented cause of disease. Although we suspect this variant may be benign, at this time, the clinical significance of this variant is uncertain due to the absence of conclusive functional and genetic evidence.

Labcorp Genetics (formerly Invitae), Labcorp
Classification: Likely benign for Joubert syndrome; Meckel-Gruber syndrome. Last evaluated: 2025-12-24. Review status: criteria provided, single submitter. Criteria: Invitae Variant Classification Sherloc (09022015). Collection method: clinical testing. Allele origin: germline.

Ambry Genetics
Classification: Uncertain significance for Inborn genetic diseases. Last evaluated: 2024-04-23. Review status: criteria provided, single submitter. Criteria: Ambry Variant Classification Scheme 2023. Collection method: clinical testing. Allele origin: germline.

Revvity Omics, Revvity
Classification: Uncertain significance. Last evaluated: 2019-04-24. Review status: criteria provided, single submitter. Criteria: ACMG Guidelines, 2015. Collection method: clinical testing. Allele origin: germline.

Eurofins Ntd Llc (ga)
Classification: Uncertain significance. Last evaluated: 2017-12-06. Review status: criteria provided, single submitter. Criteria: EGL Classification Definitions 2015. Collection method: clinical testing. Allele origin: germline. Observed: 2 variant alleles, 2 heterozygotes.

NM_001378615.1(CC2D2A):c.1546A>G (p.Met516Val)

Genes: CC2D2A (coiled-coil and C2 domain containing 2A; plus strand), FBXL5 (F-box and leucine rich repeat protein 5; minus strand). Cytogenetic location: 4p15.32.
Variant type: single nucleotide variant.
Coding change: c.1546A>G on transcript NM_001378615.1 (MANE Select); coding-DNA position 1546, A replaced by G.
Protein change: p.Met516Val; replaces methionine 516 with valine.
Molecular consequence: missense variant.
Genome position (GRCh38, 1-based): chr4:15,533,272, A>G. VCF-style: chr4-15533272-A-G. GRCh37 (hg19) VCF-style: chr4-15534895-A-G.
Other names: c.1546A>G, p.Met516Val (NM_001080522.2); c.1399A>G, p.Met467Val (NM_001378617.1); short protein forms M516V, M467V.
Identifiers: ClinVar variation 570107 (VCV000570107.20), dbSNP rs751646059, ClinGen allele CA2863704.